The following is an entry in ClinVar:

NM_004370.6(COL12A1):c.5468T>G (p.Val1823Gly)

Gene: COL12A1 (collagen type XII alpha 1 chain; minus strand). Cytogenetic location: 6q13.
Variant type: single nucleotide variant.
Coding change: c.5468T>G on transcript NM_004370.6 (MANE Select); coding-DNA position 5468, T replaced by G.
Protein change: p.Val1823Gly; replaces valine 1823 with glycine.
Molecular consequence: missense variant.
Genome position (GRCh38, 1-based): chr6:75,134,782, A>C on the plus strand (T>G on the coding strand, the complement: COL12A1 is on the minus strand). VCF-style: chr6-75134782-A-C. GRCh37 (hg19) VCF-style: chr6-75844498-A-C.
Other names: c.5468T>G, p.Val1823Gly (NM_001424113.1); c.5447T>G, p.Val1816Gly (NM_001424114.1); c.5195T>G, p.Val1732Gly (NM_001424115.1); c.1976T>G, p.Val659Gly (NM_001424116.1, NM_080645.3); short protein forms V1732G, V1816G, V1823G, V659G.
Identifiers: ClinVar variation 3756802 (VCV003756802.2).
Genomic context (GRCh38, chr6:75,134,782, plus strand): 5'-TTACTGGTCTTGCCTCTTCCCGTCATCCGACCTCCTTCACCATCAGGATACAGAGAGGAT[A>C]CGGTGATAGTGTAAGGAGTGTCTGGCTTCAGTTTCTGCAGGACCACACTGTTCTGCCGTC-3'
Protein context (NP_004361.3, residues 1813-1833): LKPDTPYTIT[Val1823Gly]SSLYPDGEGG

ClinVar aggregate classification (germline): Uncertain significance (1 of 4 stars; one submission).

Conditions:
Ullrich congenital muscular dystrophy 2 (UCMD2). Identifiers: Orphanet 75840, MedGen C4225314, MONDO:0014654, OMIM 616470.
Bethlem myopathy 2 (BTHLM2). Identifiers: Orphanet 536516, Orphanet 610, MedGen C4225313, MONDO:0034022, OMIM 616471.

Submission:

Labcorp Genetics (formerly Invitae), Labcorp
Classification: Uncertain significance for Bethlem myopathy 2; Ullrich congenital muscular dystrophy 2. Last evaluated: 2024-06-12. Review status: criteria provided, single submitter. Criteria: Invitae Variant Classification Sherloc (09022015). Collection method: clinical testing. Allele origin: germline.
Comment: This sequence change replaces valine, which is neutral and non-polar, with glycine, which is neutral and non-polar, at codon 1823 of the COL12A1 protein (p.Val1823Gly). This variant is not present in population databases (gnomAD no frequency). This variant has not been reported in the literature in individuals affected with COL12A1-related conditions. Advanced modeling of protein sequence and biophysical properties (such as structural, functional, and spatial information, amino acid conservation, physicochemical variation, residue mobility, and thermodynamic stability) has been performed at Invitae for this missense variant, however the output from this modeling did not meet the statistical confidence thresholds required to predict the impact of this variant on COL12A1 protein function. In summary, the available evidence is currently insufficient to determine the role of this variant in disease. Therefore, it has been classified as a Variant of Uncertain Significance.